The following is an entry in ClinVar:

NM_152564.5(VPS13B):c.7535G>A (p.Trp2512Ter)

Gene: VPS13B (vacuolar protein sorting 13 homolog B; plus strand). Cytogenetic location: 8q22.2.
Variant type: single nucleotide variant.
Coding change: c.7535G>A on transcript NM_152564.5 (MANE Select); coding-DNA position 7535, G replaced by A.
Protein change: p.Trp2512Ter; replaces tryptophan 2512 with a stop codon.
Molecular consequence: nonsense.
Genome position (GRCh38, 1-based): chr8:99,778,787, G>A. VCF-style: chr8-99778787-G-A. GRCh37 (hg19) VCF-style: chr8-100791015-G-A.
Other names: c.7610G>A, p.Trp2537Ter (NM_017890.5); short protein forms W2537*, W2512*.
Identifiers: ClinVar variation 56689 (VCV000056689.2), dbSNP rs386834108, ClinGen allele CA264126.

ClinVar aggregate classification (germline): Likely pathogenic (0 of 4 stars; one submission).

Conditions:
Cohen syndrome (COH1). Also called: PEPPER SYNDROME; Cutis verticis gyrata, retinitis pigmentosa, and sensorineural deafness. Identifiers: Orphanet 193, MedGen C0265223, MONDO:0008999, OMIM 216550.

Allele frequency attached by ClinVar (database versions not stated): gnomAD exomes below 0.00001.
gnomAD v4.1: 1 of 1,613,972 alleles (0.000062%); highest among the groups gnomAD compares: Non-Finnish European, 0.000085%; no homozygotes.

Submission:

Juha Muilu Group; Institute for Molecular Medicine Finland (FIMM)
Classification: Likely pathogenic for Cohen syndrome. Review status: no assertion criteria provided. Collection method: not provided. Allele origin: unknown.
Comment: FinDis database variant: This variant was not found or characterized by our laboratory, data were collected from public sources: see reference
ClinVar note: Converted during submission from probable-pathogenic to Likely pathogenic.